The following is an entry in ClinVar:

NM_024529.5(CDC73):c.412C>A (p.Pro138Thr)

Gene: CDC73 (cell division cycle 73; plus strand). Cytogenetic location: 1q31.2.
Variant type: single nucleotide variant.
Coding change: c.412C>A on transcript NM_024529.5 (MANE Select); coding-DNA position 412, C replaced by A.
Protein change: p.Pro138Thr; replaces proline 138 with threonine.
Molecular consequence: missense variant.
Genome position (GRCh38, 1-based): chr1:193,135,578, C>A. VCF-style: chr1-193135578-C-A. GRCh37 (hg19) VCF-style: chr1-193104708-C-A.
Other names: short protein forms P138T.
Identifiers: ClinVar variation 133842 (VCV000133842.22), dbSNP rs369542555, ClinGen allele CA157939.

ClinVar aggregate classification (germline): Conflicting classifications of pathogenicity. Review status: criteria provided, conflicting classifications (1 of 4 stars). 8 submissions from 8 submitters: Uncertain significance (6); Likely benign (1). 1 of the submissions does not count toward it. Last evaluated 2026-10-01.

Conditions:
Hereditary cancer-predisposing syndrome. Also called: Neoplastic Syndromes, Hereditary; Tumor predisposition; Hereditary neoplastic syndrome; Hereditary Cancer Syndrome. Identifiers: Orphanet 140162, MedGen C0027672, MeSH D009386, MONDO:0015356.
Hyperparathyroidism 2 with jaw tumors. Also called: HYPERPARATHYROIDISM, FAMILIAL PRIMARY, WITH MULTIPLE OSSIFYING JAW FIBROMAS; HYPERPARATHYROIDISM-JAW TUMOR SYNDROME, HEREDITARY; Hyperparathyroidism 2; Hyperparathyroidism-Jaw Tumor Syndrome. Identifiers: Orphanet 99880, MedGen C1704981, MONDO:0007768, OMIM 145001.
Parathyroid carcinoma (PRTC). Also called: Parathyroid gland carcinoma; CDC73-Related Parathyroid Carcinoma. Identifiers: Orphanet 143, MedGen C0687150, MONDO:0012004, OMIM 608266, HP:0006780.
Hyperparathyroidism 1 (HRPT1). Also called: HYPERPARATHYROIDISM, FAMILIAL ISOLATED PRIMARY. Identifiers: Orphanet 99879, MedGen C1840402, MONDO:0007767, OMIM 145000.
Neoplasm of the endocrine system. Also called: Endocrine gland neoplasm; Endocrine neoplasia. Identifiers: Orphanet 182130, MedGen C0014132, MONDO:0002082, HP:0100568.

Allele frequency attached by ClinVar (database versions not stated): gnomAD exomes below 0.00001; TOPMed below 0.00001.
gnomAD v4.1: 7 of 1,610,864 alleles (0.00043%); highest among the groups gnomAD compares: East Asian, 0.0067%; 1 homozygote.

Submissions (8):

St. Jude Molecular Pathology, St. Jude Children's Research Hospital
Classification: Uncertain significance for Hyperparathyroidism 2 with jaw tumors. Last evaluated: 2026-10-01. Review status: criteria provided, single submitter. Criteria: St. Jude Assertion Criteria 2020. Collection method: clinical testing. Allele origin: germline.
Comment: The CDC73 c.412C>A p.(Pro138Thr) missense change is absent in gnomAD v2.1.1. The in silico to ol REVEL is inconclusive about a pathogenic or benign effect of this variant on protein function, and to our knowledge functional studies have not been performed. To our knowledge, this variant has not been reported in individuals with hyperparathyroidis m-jaw tumor syndrome. In summary, the evidence currently available is insufficient to determine the clinical significance of this variant. It has therefore been classified as of uncertain significance (VUS-Low).

Labcorp Genetics (formerly Invitae), Labcorp
Classification: Uncertain significance for Parathyroid carcinoma. Last evaluated: 2026-01-17. Review status: criteria provided, single submitter. Criteria: Invitae Variant Classification Sherloc (09022015). Collection method: clinical testing. Allele origin: germline.
Comment: This sequence change replaces proline, which is neutral and non-polar, with threonine, which is neutral and polar, at codon 138 of the CDC73 protein (p.Pro138Thr). This variant is not present in population databases (gnomAD no frequency). This variant has not been reported in the literature in individuals affected with CDC73-related conditions. ClinVar contains an entry for this variant (Variation ID: 133842). Invitae Evidence Modeling of protein sequence and biophysical properties (such as structural, functional, and spatial information, amino acid conservation, physicochemical variation, residue mobility, and thermodynamic stability) indicates that this missense variant is not expected to disrupt CDC73 protein function with a negative predictive value of 80%. In summary, the available evidence is currently insufficient to determine the role of this variant in disease. Therefore, it has been classified as a Variant of Uncertain Significance.

GeneDx
Classification: Uncertain significance. Last evaluated: 2025-03-28. Review status: criteria provided, single submitter. Criteria: GeneDx Variant Classification Process June 2021. Collection method: clinical testing. Allele origin: germline. Affected: yes.
Comment: Not observed at significant frequency in large population cohorts (gnomAD); In silico analysis supports that this missense variant has a deleterious effect on protein structure/function; Identified in healthy individuals undergoing whole genome sequencing (PMID: 24728327); This variant is associated with the following publications: (PMID: 17314275, 24340015, 24728327)

Cambridge Genomics Laboratory, East Genomic Laboratory Hub, NHS Genomic Medicine Service
Classification: Uncertain significance for Endocrine neoplasia. Last evaluated: 2025-03-20. Review status: criteria provided, single submitter. Criteria: ACGS Best Practice Guidelines for Variant Classification in Rare Disease 2020. Collection method: clinical testing. Allele origin: germline. Affected: yes.
Comment: PM2,PP2

Ambry Genetics
Classification: Uncertain significance for Hereditary cancer-predisposing syndrome. Last evaluated: 2025-01-31. Review status: criteria provided, single submitter. Criteria: Ambry Variant Classification Scheme 2023. Collection method: clinical testing. Allele origin: germline.
Comment: The p.P138T variant (also known as c.412C>A), located in coding exon 5 of the CDC73 gene, results from a C to A substitution at nucleotide position 412. The proline at codon 138 is replaced by threonine, an amino acid with highly similar properties. This amino acid position is highly conserved in available vertebrate species. In addition, the in silico prediction for this alteration is inconclusive. Since supporting evidence is limited at this time, the clinical significance of this alteration remains unclear.

Baylor Genetics
Classification: Uncertain significance for Hyperparathyroidism 1. Last evaluated: 2023-11-21. Review status: criteria provided, single submitter. Criteria: ACMG Guidelines, 2015. Collection method: clinical testing. Allele origin: unknown.

Genetic Services Laboratory, University of Chicago
Classification: Likely benign. Last evaluated: 2018-06-18. Review status: criteria provided, single submitter. Criteria: ACMG Guidelines, 2015. Collection method: clinical testing. Allele origin: germline. Affected: no.

ITMI
No classification provided. Condition: AllHighlyPenetrant. Last evaluated: 2013-09-19. Review status: no classification provided. Collection method: reference population. Allele origin: germline. Not counted in ClinVar's aggregate classification.
Comment: Please see associated publication for description of ethnicities

Literature cited by the submitters: PubMed 24728327 (cited by ITMI).